The following is an entry in ClinVar:

NM_001042492.3(NF1):c.8113+93A>T

Gene: NF1 (neurofibromin 1; plus strand). Cytogenetic location: 17q11.2.
Variant type: single nucleotide variant.
Coding change: c.8113+93A>T on transcript NM_001042492.3 (MANE Select); 93 bases into the intron after coding-DNA position 8113, A replaced by T.
Molecular consequence: intron variant.
Genome position (GRCh38, 1-based): chr17:31,358,715, A>T. VCF-style: chr17-31358715-A-T. GRCh37 (hg19) VCF-style: chr17-29685733-A-T.
Other names: c.8050+93A>T (NM_000267.4).
Identifiers: ClinVar variation 1761814 (VCV001761814.2), dbSNP rs2151585510, ClinGen allele CA2580093495.

ClinVar aggregate classification (germline): Pathogenic (1 of 4 stars; one submission).

Conditions:
Hereditary cancer-predisposing syndrome. Also called: Neoplastic Syndromes, Hereditary; Tumor predisposition; Hereditary Cancer Syndrome; Hereditary neoplastic syndrome. Identifiers: Orphanet 140162, MedGen C0027672, MeSH D009386, MONDO:0015356.
Cardiovascular phenotype. Identifiers: MedGen CN230736.

Submission:

Ambry Genetics
Classification: Pathogenic for Cardiovascular phenotype; Hereditary cancer-predisposing syndrome. Last evaluated: 2023-03-24. Review status: criteria provided, single submitter. Criteria: Ambry Variant Classification Scheme 2023. Collection method: clinical testing. Allele origin: germline.
Comment: The c.8050+93A>T intronic pathogenic mutation results from an A to T substitution 93 nucleotides after coding exon 54 in the NF1 gene. RNA studies have demonstrated that this alteration results in abnormal splicing in the set of samples tested (Ambry internal data). This nucleotide position is well conserved in available vertebrate species. In silico splice site analysis predicts that this alteration will result in the creation or strengthening of a novel splice donor site. This variant is considered to be rare based on population cohorts in the Genome Aggregation Database (gnomAD). Based on the supporting evidence, this alteration is interpreted as a disease-causing mutation.